The following is an entry in ClinVar:

ClinVar aggregate classification (germline): Pathogenic. Review status: criteria provided, multiple submitters, no conflicts (2 of 4 stars). 2 submissions from 2 submitters: Pathogenic (2). Last evaluated 2026-08-27.

Conditions:
Cardiovascular phenotype. Identifiers: MedGen CN230736.
Ehlers-Danlos syndrome due to tenascin-X deficiency (EDSCLL1). Also called: EDS DUE TO TNX DEFICIENCY; TNX DEFICIENCY; EHLERS-DANLOS SYNDROME, CLASSIC-LIKE; Ehlers-Danlos syndrome, classic-like, 1; TNXB-Related Classical-Like Ehlers-Danlos Syndrome. Identifiers: Orphanet 230839, MedGen C1848029, MONDO:0011670, OMIM 606408.

Submissions (2):

Myriad Genetics, Inc.
Classification: Pathogenic for Ehlers-Danlos syndrome due to tenascin-X deficiency. Last evaluated: 2026-08-27. Review status: criteria provided, single submitter. Criteria: Myriad Autosomal Dominant, Autosomal Recessive and X-Linked Classification Criteria (2023). Collection method: clinical testing. Allele origin: unknown.
Comment: NM_019105.6(TNXB):c.4778_4779delTG(V1593Gfs*8) is expected to be pathogenic in the context of classical-like Ehlers-Danlos syndrome, TNXB-related. This variant is predicted to lead to an abnormal or absent protein product due to the creation of a premature termination codon in TNXB, a gene where loss-of-function variants are known to be pathogenic. Please note: this variant was assessed in the context of healthy population screening.

Ambry Genetics
Classification: Pathogenic for Cardiovascular phenotype. Last evaluated: 2020-03-29. Review status: criteria provided, single submitter. Criteria: Ambry Variant Classification Scheme 2023. Collection method: clinical testing. Allele origin: germline.
Comment: The c.4778_4779delTG pathogenic mutation, located in coding exon 12 of the TNXB gene, results from a deletion of two nucleotides at nucleotide positions 4778 to 4779, causing a translational frameshift with a predicted alternate stop codon (p.V1593Gfs*8). This alteration is expected to result in loss of function by premature protein truncation or nonsense-mediated mRNA decay. As such, this alteration is interpreted as a disease-causing mutation.

NM_001365276.2(TNXB):c.4778_4779del (p.Val1593fs)

Gene: TNXB (tenascin XB; minus strand). Cytogenetic location: 6p21.33.
Variant type: Microsatellite.
Coding change: c.4778_4779del on transcript NM_001365276.2 (MANE Select); coding-DNA positions 4778 to 4779, 2 bases deleted (TG; older notation c.4778_4779delTG).
Protein change: p.Val1593fs; shifts the reading frame from valine 1593.
Molecular consequence: frameshift variant.
Genome position (GRCh38, 1-based): chr6:32,072,201-32,072,202, CA deleted on the plus strand (TG on the coding strand, the reverse complement: TNXB is on the minus strand); deleting any 2 consecutive bases within chr6:32,072,201-32,072,204 gives the same sequence; the c. name uses the placement nearest the transcript's 3' end. VCF-style (leftmost placement, unchanged base first): chr6-32072200-CCA-C. GRCh37 (hg19) VCF-style: chr6-32039977-CCA-C.
Other names: c.4778_4779del, p.Val1593fs (NM_019105.8); short protein forms V1593fs.
Identifiers: ClinVar variation 1743006 (VCV001743006.3), dbSNP rs2483604684, ClinGen allele CA2580614855.